The following is an entry in ClinVar:

NM_004821.3(HAND1):c.173C>T (p.Ala58Val)

Gene: HAND1 (heart and neural crest derivatives expressed 1; minus strand). Cytogenetic location: 5q33.2.
Variant type: single nucleotide variant.
Coding change: c.173C>T on transcript NM_004821.3 (MANE Select); coding-DNA position 173, C replaced by T.
Protein change: p.Ala58Val; replaces alanine 58 with valine.
Molecular consequence: missense variant.
Genome position (GRCh38, 1-based): chr5:154,477,836, G>A on the plus strand (C>T on the coding strand, the complement: HAND1 is on the minus strand). VCF-style: chr5-154477836-G-A. GRCh37 (hg19) VCF-style: chr5-153857396-G-A.
Other names: short protein forms A58V.
Identifiers: ClinVar variation 1927777 (VCV001927777.5), dbSNP rs201496181, ClinGen allele CA361923304.
Genomic context (GRCh38, chr5:154,477,836, plus strand): 5'-GGCCTGGCGTCAGGACCATAGGCGGTGGCGGCTGCAGCGGCCGCGGGCGGCGGCCCGCCC[G>A]CAGGGAAGTCCGGGGCAGCGTCAGCCGGGCTCAGCAGCCAGCTCTGGAAGTAGGGCCTTT-3'
Protein context (NP_004812.1, residues 48-68): SPADAAPDFP[Ala58Val]GGPPPAAAAA

ClinVar aggregate classification (germline): Uncertain significance (1 of 4 stars; one submission).

Conditions:
Hypoplastic left heart syndrome. Also called: Hypoplastic left heart; Hypoplastic left ventricle. Identifiers: Orphanet 2248, MedGen C0152101, MONDO:0004933, HP:0004383.

Submission:

Labcorp Genetics (formerly Invitae), Labcorp
Classification: Uncertain significance for Hypoplastic left heart syndrome. Last evaluated: 2025-05-27. Review status: criteria provided, single submitter. Criteria: Invitae Variant Classification Sherloc (09022015). Collection method: clinical testing. Allele origin: germline.
Comment: This sequence change replaces alanine, which is neutral and non-polar, with valine, which is neutral and non-polar, at codon 58 of the HAND1 protein (p.Ala58Val). This variant is not present in population databases (gnomAD no frequency). This variant has not been reported in the literature in individuals affected with HAND1-related conditions. ClinVar contains an entry for this variant (Variation ID: 1927777). An algorithm developed to predict the effect of missense changes on protein structure and function (PolyPhen-2) suggests that this variant is likely to be tolerated. In summary, the available evidence is currently insufficient to determine the role of this variant in disease. Therefore, it has been classified as a Variant of Uncertain Significance.